The following is an entry in ClinVar:

NM_033641.4(COL4A6):c.2146C>T (p.Arg716Cys)

Gene: COL4A6 (collagen type IV alpha 6 chain; minus strand). Cytogenetic location: Xq22.3.
Variant type: single nucleotide variant.
Coding change: c.2146C>T on transcript NM_033641.4 (MANE Select); coding-DNA position 2146, C replaced by T.
Protein change: p.Arg716Cys; replaces arginine 716 with cysteine.
Molecular consequence: missense variant.
Genome position (GRCh38, 1-based): chrX:108,179,424, G>A on the plus strand (C>T on the coding strand, the complement: COL4A6 is on the minus strand). VCF-style: chrX-108179424-G-A. GRCh37 (hg19) VCF-style: chrX-107422654-G-A.
Other names: c.2197C>T, p.Arg733Cys (NM_001287758.2); c.2146C>T, p.Arg716Cys (NM_001287759.2, NM_001287760.2, NM_001440760.1); c.2149C>T, p.Arg717Cys (NM_001440759.1, NM_001847.4); short protein forms R716C, R717C, R733C.
Identifiers: ClinVar variation 4808530 (VCV004808530.1).

ClinVar aggregate classification (germline): Uncertain significance (1 of 4 stars; one submission).

gnomAD v4.1: 3 of 1,202,844 alleles (0.00025%); highest among the groups gnomAD compares: African/African-American, 0.0017%; no homozygotes.

Submission:

Labcorp Genetics (formerly Invitae), Labcorp
Classification: Uncertain significance. Last evaluated: 2025-06-24. Review status: criteria provided, single submitter. Criteria: Invitae Variant Classification Sherloc (09022015). Collection method: clinical testing. Allele origin: germline.
Comment: This sequence change replaces arginine, which is basic and polar, with cysteine, which is neutral and slightly polar, at codon 717 of the COL4A6 protein (p.Arg717Cys). This variant is not present in population databases (gnomAD no frequency). This variant has not been reported in the literature in individuals affected with COL4A6-related conditions. Invitae Evidence Modeling of protein sequence and biophysical properties (such as structural, functional, and spatial information, amino acid conservation, physicochemical variation, residue mobility, and thermodynamic stability) indicates that this missense variant is not expected to disrupt COL4A6 protein function with a negative predictive value of 80%. In summary, the available evidence is currently insufficient to determine the role of this variant in disease. Therefore, it has been classified as a Variant of Uncertain Significance.